The following is an entry in ClinVar:

NM_021926.4(ALX4):c.*3999C>T

Gene: ALX4 (ALX homeobox 4; minus strand). Cytogenetic location: 11p11.2.
Variant type: single nucleotide variant.
Coding change: c.*3999C>T on transcript NM_021926.4 (MANE Select); 3999 bases downstream of the stop codon, C replaced by T.
Molecular consequence: 3 prime UTR variant.
Genome position (GRCh38, 1-based): chr11:44,260,855, G>A on the plus strand (C>T on the coding strand, the complement: ALX4 is on the minus strand). VCF-style: chr11-44260855-G-A. GRCh37 (hg19) VCF-style: chr11-44282405-G-A.
Other names: c.*3999C>T (LRG_1256t1).
Identifiers: ClinVar variation 304609 (VCV000304609.5), dbSNP rs369328027, ClinGen allele CA10634852.

ClinVar aggregate classification (germline): Benign (1 of 4 stars; one submission).

Conditions:
Parietal foramina 2 (PFM2). Identifiers: Orphanet 60015, MedGen C1865044, MONDO:0012309, OMIM 609597.

Allele frequency attached by ClinVar (database versions not stated): gnomAD 0.00011 and 0.00013; TOPMed 0.00011; 1000 Genomes Project 0.00060; 1000 Genomes Project 30x 0.00094.
gnomAD v4.1: 20 of 152,192 alleles (0.013%); highest among the groups gnomAD compares: East Asian, 0.37%; no homozygotes.

Submission:

Illumina Laboratory Services, Illumina
Classification: Benign for Parietal foramina 2. Last evaluated: 2018-01-13. Review status: criteria provided, single submitter. Criteria: ICSL Variant Classification Criteria 13 December 2019. Collection method: clinical testing. Allele origin: germline.
Comment: This variant was observed in the ICSL laboratory as part of a predisposition screen in an ostensibly healthy population. It had not been previously curated by ICSL or reported in the Human Gene Mutation Database (HGMD: prior to June 1st, 2018), and was therefore a candidate for classification through an automated scoring system. Utilizing variant allele frequency, disease prevalence and penetrance estimates, and inheritance mode, an automated score was calculated to assess if this variant is too frequent to cause the disease. Based on the score and internal cut-off values, a variant classified as benign is not then subjected to further curation. The score for this variant resulted in a classification of benign for this disease.